The following is an entry in ClinVar:

NM_001370259.2(MEN1):c.1130A>G (p.Lys377Arg)

Gene: MEN1 (menin 1; minus strand). Cytogenetic location: 11q13.1.
Variant type: single nucleotide variant.
Coding change: c.1130A>G on transcript NM_001370259.2 (MANE Select); coding-DNA position 1130, A replaced by G.
Protein change: p.Lys377Arg; replaces lysine 377 with arginine.
Molecular consequence: missense variant.
Genome position (GRCh38, 1-based): chr11:64,805,690, T>C on the plus strand (A>G on the coding strand, the complement: MEN1 is on the minus strand). VCF-style: chr11-64805690-T-C. GRCh37 (hg19) VCF-style: chr11-64573162-T-C.
Other names: c.1130A>G, p.Lys377Arg (NM_001370261.2, NM_130799.3, NM_001370260.2); c.1025A>G, p.Lys342Arg (NM_001370262.2, NM_001370263.2); c.1145A>G, p.Lys382Arg (NM_130800.3, NM_130801.3, NM_130802.3 and 3 more transcripts); c.1256A>G, p.Lys419Arg (NM_001370251.2); short protein forms K382R, K377R, K419R, K342R.
Identifiers: ClinVar variation 527283 (VCV000527283.10), dbSNP rs766075737, ClinGen allele CA059992.

ClinVar aggregate classification (germline): Uncertain significance. Review status: criteria provided, multiple submitters, no conflicts (2 of 4 stars). 2 submissions from 2 submitters: Uncertain significance (2). Last evaluated 2023-02-28.

Conditions:
Hereditary cancer-predisposing syndrome. Also called: Neoplastic Syndromes, Hereditary; Tumor predisposition; Hereditary neoplastic syndrome; Hereditary Cancer Syndrome. Identifiers: Orphanet 140162, MedGen C0027672, MeSH D009386, MONDO:0015356.
Multiple endocrine neoplasia, type 1 (MEN1). Also called: MEN I; WERMER SYNDROME; Endocrine adenomatosis multiple; MEN 1; MEA I. Identifiers: Orphanet 652, MedGen C0025267, MeSH D018761, MONDO:0007540, OMIM 131100.

Allele frequency attached by ClinVar (database versions not stated): gnomAD exomes below 0.00001; ExAC 0.00001.

Submissions (2):

Ambry Genetics
Classification: Uncertain significance for Hereditary cancer-predisposing syndrome. Last evaluated: 2023-02-28. Review status: criteria provided, single submitter. Criteria: Ambry Variant Classification Scheme 2023. Collection method: clinical testing. Allele origin: germline.
Comment: The p.K377R variant (also known as c.1130A>G), located in coding exon 7 of the MEN1 gene, results from an A to G substitution at nucleotide position 1130. The lysine at codon 377 is replaced by arginine, an amino acid with highly similar properties. This amino acid position is conserved. In addition, this alteration is predicted to be deleterious by in silico analysis. Since supporting evidence is limited at this time, the clinical significance of this alteration remains unclear.

Labcorp Genetics (formerly Invitae), Labcorp
Classification: Uncertain significance for Multiple endocrine neoplasia, type 1. Last evaluated: 2021-08-20. Review status: criteria provided, single submitter. Criteria: Invitae Variant Classification Sherloc (09022015). Collection method: clinical testing. Allele origin: germline.
Comment: This sequence change replaces lysine with arginine at codon 377 of the MEN1 protein (p.Lys377Arg). The lysine residue is highly conserved and there is a small physicochemical difference between lysine and arginine. The frequency data for this variant in the population databases is considered unreliable, as metrics indicate poor data quality at this position in the ExAC database. In summary, the available evidence is currently insufficient to determine the role of this variant in disease. Therefore, it has been classified as a Variant of Uncertain Significance. Algorithms developed to predict the effect of missense changes on protein structure and function do not agree on the potential impact of this missense change (SIFT: "Deleterious"; PolyPhen-2: "Possibly Damaging"; Align-GVGD: "Class C0"). This variant has not been reported in the literature in individuals with MEN1-related disease.